The following is an entry in ClinVar:

NM_000548.5(TSC2):c.2366T>G (p.Val789Gly)

Gene: TSC2 (TSC complex subunit 2; plus strand). Cytogenetic location: 16p13.3.
Variant type: single nucleotide variant.
Coding change: c.2366T>G on transcript NM_000548.5 (MANE Select); coding-DNA position 2366, T replaced by G.
Protein change: p.Val789Gly; replaces valine 789 with glycine.
Molecular consequence: missense variant. On other transcripts: non-coding transcript variant (5).
Genome position (GRCh38, 1-based): chr16:2,074,210, T>G. VCF-style: chr16-2074210-T-G. GRCh37 (hg19) VCF-style: chr16-2124211-T-G.
Other names: c.1766T>G, p.Val589Gly (NM_001406685.1, NM_001406686.1, NM_001406687.1 and 6 more transcripts); c.1022T>G, p.Val341Gly (NM_001406689.1, NM_001406690.1, NM_001406691.1 and 6 more transcripts); c.2309T>G, p.Val770Gly (NM_001406677.1); c.2255T>G, p.Val752Gly (NM_001406678.1, NM_001318827.2, NM_001406670.1); c.2219T>G, p.Val740Gly (NM_001406679.1, NM_001318829.2, NM_001406675.1 and 1 more transcripts); c.1904T>G, p.Val635Gly (NM_001406681.1); c.2366T>G, p.Val789Gly (NM_001077183.3, NM_001114382.3, NM_001363528.2 and 6 more transcripts); c.2399T>G, p.Val800Gly (NM_001318832.2); and 3 more; short protein forms V589G, V635G, V341G, V789G, V819G, V785G, V255G, V740G.
Identifiers: ClinVar variation 5031344 (VCV005031344.1).

ClinVar aggregate classification (germline): Uncertain significance (1 of 4 stars; one submission).

Conditions:
Hereditary cancer-predisposing syndrome. Also called: Neoplastic Syndromes, Hereditary; Tumor predisposition; Hereditary neoplastic syndrome; Hereditary Cancer Syndrome. Identifiers: Orphanet 140162, MedGen C0027672, MeSH D009386, MONDO:0015356.

Submission:

Ambry Genetics
Classification: Uncertain significance for Hereditary cancer-predisposing syndrome. Last evaluated: 2026-07-07. Review status: criteria provided, single submitter. Criteria: Ambry Variant Classification Scheme 2023. Collection method: clinical testing. Allele origin: germline.
Comment: The p.V789G variant (also known as c.2366T>G), located in coding exon 21 of the TSC2 gene, results from a T to G substitution at nucleotide position 2366. The valine at codon 789 is replaced by glycine, an amino acid with dissimilar properties. This amino acid position is conserved. In addition, this alteration is predicted to be deleterious by in silico analysis. Based on the available evidence, the clinical significance of this variant remains unclear.